The following is an entry in ClinVar:

NM_000245.4(MET):c.332T>C (p.Val111Ala)

Gene: MET (MET proto-oncogene, receptor tyrosine kinase; plus strand). Cytogenetic location: 7q31.2.
Variant type: single nucleotide variant.
Coding change: c.332T>C on transcript NM_000245.4 (MANE Select); coding-DNA position 332, T replaced by C.
Protein change: p.Val111Ala; replaces valine 111 with alanine.
Molecular consequence: missense variant. On other transcripts: intron variant (1).
Genome position (GRCh38, 1-based): chr7:116,699,416, T>C. VCF-style: chr7-116699416-T-C. GRCh37 (hg19) VCF-style: chr7-116339470-T-C.
Other names: c.332T>C, p.Val111Ala (NM_001127500.3, NM_001324401.3); c.-91+26839T>C (NM_001324402.2); short protein forms V111A.
Identifiers: ClinVar variation 3632551 (VCV003632551.2).
Genomic context (GRCh38, chr7:116,699,416, plus strand): 5'-AACACCCAGATTGTTTCCCATGTCAGGACTGCAGCAGCAAAGCCAATTTATCAGGAGGTG[T>C]TTGGAAAGATAACATCAACATGGCTCTAGTTGTCGACACCTACTATGATGATCAACTCAT-3'
Protein context (NP_000236.2, residues 101-121): CSSKANLSGG[Val111Ala]WKDNINMALV

ClinVar aggregate classification (germline): Uncertain significance (1 of 4 stars; one submission).

Conditions:
Renal cell carcinoma. Identifiers: Orphanet 217071, MedGen C0007134, MeSH D002292, MONDO:0005086, HP:0005584.

Submission:

Labcorp Genetics (formerly Invitae), Labcorp
Classification: Uncertain significance for Renal cell carcinoma. Last evaluated: 2024-03-27. Review status: criteria provided, single submitter. Criteria: Invitae Variant Classification Sherloc (09022015). Collection method: clinical testing. Allele origin: germline.
Comment: This sequence change replaces valine, which is neutral and non-polar, with alanine, which is neutral and non-polar, at codon 111 of the MET protein (p.Val111Ala). This variant is not present in population databases (gnomAD no frequency). This variant has not been reported in the literature in individuals affected with MET-related conditions. Algorithms developed to predict the effect of missense changes on protein structure and function output the following: SIFT: "Not Available"; PolyPhen-2: "Benign"; Align-GVGD: "Not Available". The alanine amino acid residue is found in multiple mammalian species, which suggests that this missense change does not adversely affect protein function. In summary, the available evidence is currently insufficient to determine the role of this variant in disease. Therefore, it has been classified as a Variant of Uncertain Significance.